The following is an entry in ClinVar:

ClinVar aggregate classification (germline): Uncertain significance. Review status: criteria provided, multiple submitters, no conflicts (2 of 4 stars). 3 submissions from 3 submitters: Uncertain significance (3). Last evaluated 2025-11-12.

Conditions:
Inborn genetic diseases. Identifiers: MedGen C0950123, MeSH D030342.
Adenylosuccinate lyase deficiency (ADSLD). Also called: ADSL DEFICIENCY. Identifiers: Orphanet 46, MedGen C0268126, MONDO:0007068, OMIM 103050.

Allele frequency attached by ClinVar (database versions not stated): gnomAD exomes below 0.00001 and 0.00001; ExAC 0.00002; TOPMed 0.00003; gnomAD 0.00005 and 0.00006; ESP Exome Variant Server 0.00008.
gnomAD v4.1: 13 of 1,614,048 alleles (0.00081%); highest among the groups gnomAD compares: African/African-American, 0.008%; no homozygotes.

Submissions (3):

Ambry Genetics
Classification: Uncertain significance for Inborn genetic diseases. Last evaluated: 2025-11-12. Review status: criteria provided, single submitter. Criteria: Ambry Variant Classification Scheme 2023. Collection method: clinical testing. Allele origin: germline.

GeneDx
Classification: Uncertain significance. Last evaluated: 2023-09-01. Review status: criteria provided, single submitter. Criteria: GeneDx Variant Classification Process June 2021. Collection method: clinical testing. Allele origin: germline. Affected: yes.
Comment: Not observed at significant frequency in large population cohorts (gnomAD); In silico analysis supports that this missense variant has a deleterious effect on protein structure/function; Has not been previously published as pathogenic or benign to our knowledge

Labcorp Genetics (formerly Invitae), Labcorp
Classification: Uncertain significance for Adenylosuccinate lyase deficiency. Last evaluated: 2021-09-24. Review status: criteria provided, single submitter. Criteria: Invitae Variant Classification Sherloc (09022015). Collection method: clinical testing. Allele origin: germline.
Comment: This sequence change replaces glutamine with glutamic acid at codon 286 of the ADSL protein (p.Gln286Glu). The glutamine residue is highly conserved and there is a small physicochemical difference between glutamine and glutamic acid. This variant is present in population databases (rs376912453, ExAC 0.003%). This variant has not been reported in the literature in individuals with ADSL-related conditions. ClinVar contains an entry for this variant (Variation ID: 450734). Advanced modeling of protein sequence and biophysical properties (such as structural, functional, and spatial information, amino acid conservation, physicochemical variation, residue mobility, and thermodynamic stability) performed at Invitae indicates that this missense variant is not expected to disrupt ADSL protein function. In summary, the available evidence is currently insufficient to determine the role of this variant in disease. Therefore, it has been classified as a Variant of Uncertain Significance.

NM_000026.4(ADSL):c.856C>G (p.Gln286Glu)

Gene: ADSL (adenylosuccinate lyase; plus strand). Cytogenetic location: 22q13.1.
Variant type: single nucleotide variant.
Coding change: c.856C>G on transcript NM_000026.4 (MANE Select); coding-DNA position 856, C replaced by G.
Protein change: p.Gln286Glu; replaces glutamine 286 with glutamic acid.
Molecular consequence: missense variant. On other transcripts: non-coding transcript variant (1).
Genome position (GRCh38, 1-based): chr22:40,361,336, C>G. VCF-style: chr22-40361336-C-G. GRCh37 (hg19) VCF-style: chr22-40757340-C-G.
Other names: c.856C>G, p.Gln286Glu (NM_001363840.3, NM_001123378.3); c.664C>G, p.Gln222Glu (NM_001317923.2); short protein forms Q286E, Q222E.
Identifiers: ClinVar variation 450734 (VCV000450734.9), dbSNP rs376912453, ClinGen allele CA10247845.